The following is an entry in ClinVar:

NM_002076.4(GNS):c.148dup (p.Val50fs)

Gene: GNS (glucosamine (N-acetyl)-6-sulfatase; minus strand). Cytogenetic location: 12q14.3.
Variant type: Duplication.
Coding change: c.148dup on transcript NM_002076.4 (MANE Select); coding-DNA position 148, one base duplicated (G; older notation c.148dupG).
Protein change: p.Val50fs; shifts the reading frame from valine 50.
Molecular consequence: frameshift variant.
Genome position (GRCh38, 1-based): chr12:64,759,129, C duplicated on the plus strand (G on the coding strand, the reverse complement: GNS is on the minus strand); the first of 2 consecutive C bases (chr12:64,759,129-64,759,130); duplicating either gives the same sequence. VCF-style (leftmost placement, unchanged base first): chr12-64759128-A-AC. GRCh37 (hg19) VCF-style: chr12-65152908-A-AC.
Other names: short protein forms V50fs.
Identifiers: ClinVar variation 1459210 (VCV001459210.6), dbSNP rs2136259310, ClinGen allele CA2573148957.

ClinVar aggregate classification (germline): Pathogenic (1 of 4 stars; one submission).

Conditions:
Mucopolysaccharidosis, MPS-III-D (MPS3D). Also called: N-ACETYLGLUCOSAMINE-6-SULFATASE DEFICIENCY; SANFILIPPO SYNDROME D; MPS III D; Mucopoly-saccharidosis type 3D; N-acetylglucosamine-6-sulfate sulfatase deficiency; MPS 3D. Identifiers: Orphanet 581, Orphanet 79272, MedGen C0086650, MONDO:0009658, OMIM 252940.

Submission:

Labcorp Genetics (formerly Invitae), Labcorp
Classification: Pathogenic for Mucopolysaccharidosis, MPS-III-D. Last evaluated: 2023-06-04. Review status: criteria provided, single submitter. Criteria: Invitae Variant Classification Sherloc (09022015). Collection method: clinical testing. Allele origin: germline.
Comment: This sequence change creates a premature translational stop signal (p.Val50Glyfs*57) in the GNS gene. It is expected to result in an absent or disrupted protein product. Loss-of-function variants in GNS are known to be pathogenic (PMID: 20232353). This variant is not present in population databases (gnomAD no frequency). This variant has not been reported in the literature in individuals affected with GNS-related conditions. ClinVar contains an entry for this variant (Variation ID: 1459210). For these reasons, this variant has been classified as Pathogenic.

Literature cited by the submitters: PubMed 20232353.